The following is an entry in ClinVar:

ClinVar aggregate classification (germline): Likely pathogenic (1 of 4 stars; one submission).

Conditions:
Retinitis pigmentosa 39 (RP39). Identifiers: Orphanet 791, MedGen C3151138, MONDO:0013436, OMIM 613809.
Usher syndrome type 2A. Also called: RETINAL DISEASE IN USHER SYNDROME TYPE IIA, MODIFIER OF; USHER SYNDROME, TYPE IIA. Identifiers: Orphanet 231178, Orphanet 886, MedGen C1848634, MONDO:0010169, OMIM 276901.

Submission:

First Genomix Gene Laboratory, Genetic Diagnostics Department
Classification: Likely pathogenic for Retinitis pigmentosa 39; Usher syndrome type 2A. Last evaluated: 2025-07-18. Review status: criteria provided, single submitter. Criteria: ACMG Guidelines, 2015. Collection method: clinical testing. Allele origin: germline. Inheritance: Autosomal recessive inheritance. Affected: no. Observed: 1 variant allele.

NM_206933.4(USH2A):c.11807_11819del (p.Thr3936fs)

Gene: USH2A (usherin; minus strand). Cytogenetic location: 1q41.
Variant type: Deletion.
Coding change: c.11807_11819del on transcript NM_206933.4 (MANE Select); coding-DNA positions 11807 to 11819, 13 bases deleted (CACTCTACGAATA).
Protein change: p.Thr3936fs; shifts the reading frame from threonine 3936.
Molecular consequence: frameshift variant.
Genome position (GRCh38, 1-based): chr1:215,728,277-215,728,289, TATTCGTAGAGTG deleted on the plus strand (CACTCTACGAATA on the coding strand, the reverse complement: USH2A is on the minus strand); deleting any 13 consecutive bases within chr1:215,728,277-215,728,290 gives the same sequence; the c. name uses the placement nearest the transcript's 3' end. VCF-style (leftmost placement, unchanged base first): chr1-215728276-ATATTCGTAGAGTG-A. GRCh37 (hg19) VCF-style: chr1-215901618-ATATTCGTAGAGTG-A.
Other names: short protein forms T3936fs.
Identifiers: ClinVar variation 4849305 (VCV004849305.1).